The following is an entry in ClinVar:

ClinVar aggregate classification (germline): Uncertain significance. Review status: criteria provided, multiple submitters, no conflicts (2 of 4 stars). 3 submissions from 3 submitters: Uncertain significance (3). Last evaluated 2023-04-11.

Conditions:
Glycogen storage disease IIIa (GSD IIIa). Also called: Glycogen Storage Disease Type IIIa (GSD IIIa). Identifiers: MedGen C1968739.
Glycogen storage disease type III (GSD3). Also called: Cori disease; FORBES DISEASE. Identifiers: Orphanet 366, MedGen C0017922, MONDO:0009291, OMIM 232400.

Allele frequency attached by ClinVar (database versions not stated): gnomAD 0.00003.
gnomAD v4.1: 77 of 1,613,070 alleles (0.0048%); highest among the groups gnomAD compares: Non-Finnish European, 0.0054%; no homozygotes.

Submissions (3):

Genome-Nilou Lab
Classification: Uncertain significance for Glycogen storage disease type III. Last evaluated: 2023-04-11. Review status: criteria provided, single submitter. Criteria: ACMG Guidelines, 2015. Collection method: clinical testing. Allele origin: germline. Affected: no.

Labcorp Genetics (formerly Invitae), Labcorp
Classification: Uncertain significance for Glycogen storage disease type III. Last evaluated: 2022-07-17. Review status: criteria provided, single submitter. Criteria: Invitae Variant Classification Sherloc (09022015). Collection method: clinical testing. Allele origin: germline.
Comment: This sequence change replaces isoleucine, which is neutral and non-polar, with threonine, which is neutral and polar, at codon 1226 of the AGL protein (p.Ile1226Thr). This variant is present in population databases (rs749118487, gnomAD 0.01%). This missense change has been observed in individual(s) with glycogen storage disease (PMID: 31319225). ClinVar contains an entry for this variant (Variation ID: 635319). Algorithms developed to predict the effect of missense changes on protein structure and function (SIFT, PolyPhen-2, Align-GVGD) all suggest that this variant is likely to be disruptive. Algorithms developed to predict the effect of sequence changes on RNA splicing suggest that this variant may create or strengthen a splice site. In summary, the available evidence is currently insufficient to determine the role of this variant in disease. Therefore, it has been classified as a Variant of Uncertain Significance.

Ege University Pediatric Genetics, Ege University
Classification: Uncertain significance for Glycogen storage disease IIIa. Last evaluated: 2019-05-15. Review status: criteria provided, single submitter. Criteria: ACMG Guidelines, 2015. Collection method: clinical testing. Allele origin: germline. Affected: yes.

Literature cited by the submitters: PubMed 31319225 (cited by Labcorp Genetics (formerly Invitae), Labcorp and Ege University Pediatric Genetics, Ege University).

NM_000642.3(AGL):c.3677T>C (p.Ile1226Thr)

Gene: AGL (amylo-alpha-1,6-glucosidase and 4-alpha-glucanotransferase; plus strand). Cytogenetic location: 1p21.2.
Variant type: single nucleotide variant.
Coding change: c.3677T>C on transcript NM_000642.3 (MANE Select); coding-DNA position 3677, T replaced by C.
Protein change: p.Ile1226Thr; replaces isoleucine 1226 with threonine.
Molecular consequence: missense variant.
Genome position (GRCh38, 1-based): chr1:99,902,771, T>C. VCF-style: chr1-99902771-T-C. GRCh37 (hg19) VCF-style: chr1-100368327-T-C.
Other names: c.3677T>C, p.Ile1226Thr (NM_000028.3, NM_000643.3, NM_000644.3 and 1 more transcripts); c.3629T>C, p.Ile1210Thr (NM_000646.3); c.3656T>C, p.Ile1219Thr (NM_001425326.1); c.3476T>C, p.Ile1159Thr (NM_001425327.1); c.3473T>C, p.Ile1158Thr (NM_001425328.1); c.3338T>C, p.Ile1113Thr (NM_001425329.1); c.3299T>C, p.Ile1100Thr (NM_001425332.1); short protein forms I1226T, I1210T, I1100T, I1113T, I1158T, I1159T, I1219T.
Identifiers: ClinVar variation 635319 (VCV000635319.4), dbSNP rs749118487, ClinGen allele CA967170.